The following is an entry in ClinVar:

ClinVar aggregate classification (germline): Uncertain significance (1 of 4 stars; one submission).

Conditions:
Developmental and epileptic encephalopathy, 23 (DEE23). Also called: Epileptic encephalopathy, early infantile, 23. Identifiers: Orphanet 411986, MedGen C4014492, MONDO:0014371, OMIM 615859.

Allele frequency attached by ClinVar (database versions not stated): gnomAD exomes below 0.00001; gnomAD 0.00001; TOPMed 0.00001.
gnomAD v4.1: 8 of 1,608,684 alleles (0.0005%); highest among the groups gnomAD compares: Non-Finnish European, 0.00059%; no homozygotes.

Submission:

Labcorp Genetics (formerly Invitae), Labcorp
Classification: Uncertain significance for Developmental and epileptic encephalopathy, 23. Last evaluated: 2020-12-18. Review status: criteria provided, single submitter. Criteria: Invitae Variant Classification Sherloc (09022015). Collection method: clinical testing. Allele origin: germline.
Comment: This variant has not been reported in the literature in individuals with DOCK7-related conditions. Algorithms developed to predict the effect of missense changes on protein structure and function are either unavailable or do not agree on the potential impact of this missense change (SIFT: "Deleterious"; PolyPhen-2: "Probably Damaging"; Align-GVGD: "Class C0"). In summary, the available evidence is currently insufficient to determine the role of this variant in disease. Therefore, it has been classified as a Variant of Uncertain Significance. This sequence change replaces histidine with tyrosine at codon 260 of the DOCK7 protein (p.His260Tyr). The histidine residue is highly conserved and there is a moderate physicochemical difference between histidine and tyrosine. This variant is not present in population databases (ExAC no frequency).

NM_001367561.1(DOCK7):c.778C>T (p.His260Tyr)

Gene: DOCK7 (dedicator of cytokinesis 7; minus strand). Cytogenetic location: 1p31.3.
Variant type: single nucleotide variant.
Coding change: c.778C>T on transcript NM_001367561.1 (MANE Select); coding-DNA position 778, C replaced by T.
Protein change: p.His260Tyr; replaces histidine 260 with tyrosine.
Molecular consequence: missense variant.
Genome position (GRCh38, 1-based): chr1:62,647,731, G>A on the plus strand (C>T on the coding strand, the complement: DOCK7 is on the minus strand). VCF-style: chr1-62647731-G-A. GRCh37 (hg19) VCF-style: chr1-63113402-G-A.
Other names: c.778C>T, p.His260Tyr (NM_001271999.2, NM_001272000.2, NM_001272001.2 and 3 more transcripts); short protein forms H260Y.
Identifiers: ClinVar variation 1003410 (VCV001003410.9), dbSNP rs759295644, ClinGen allele CA23789775.